The following is an entry in ClinVar:

ClinVar aggregate classification (germline): Uncertain significance (1 of 4 stars; one submission).

Allele frequency attached by ClinVar (database versions not stated): gnomAD exomes below 0.00001.

Submission:

Labcorp Genetics (formerly Invitae), Labcorp
Classification: Uncertain significance. Last evaluated: 2022-05-09. Review status: criteria provided, single submitter. Criteria: Invitae Variant Classification Sherloc (09022015). Collection method: clinical testing. Allele origin: germline.
Comment: In summary, the available evidence is currently insufficient to determine the role of this variant in disease. Therefore, it has been classified as a Variant of Uncertain Significance. Algorithms developed to predict the effect of missense changes on protein structure and function are either unavailable or do not agree on the potential impact of this missense change (SIFT: "Deleterious"; PolyPhen-2: "Probably Damaging"; Align-GVGD: "Class C0"). This variant has not been reported in the literature in individuals affected with NEUROD1-related conditions. This variant is not present in population databases (gnomAD no frequency). This sequence change replaces tyrosine, which is neutral and polar, with cysteine, which is neutral and slightly polar, at codon 5 of the NEUROD1 protein (p.Tyr5Cys).

NM_002500.5(NEUROD1):c.14A>G (p.Tyr5Cys)

Gene: NEUROD1 (neuronal differentiation 1; minus strand). Cytogenetic location: 2q31.3.
Variant type: single nucleotide variant.
Coding change: c.14A>G on transcript NM_002500.5 (MANE Select); coding-DNA position 14, A replaced by G.
Protein change: p.Tyr5Cys; replaces tyrosine 5 with cysteine.
Molecular consequence: missense variant.
Genome position (GRCh38, 1-based): chr2:181,678,847, T>C on the plus strand (A>G on the coding strand, the complement: NEUROD1 is on the minus strand). VCF-style: chr2-181678847-T-C. GRCh37 (hg19) VCF-style: chr2-182543574-T-C.
Other names: short protein forms Y5C.
Identifiers: ClinVar variation 2135879 (VCV002135879.4), dbSNP rs2468611397, ClinGen allele CA349788021.